The following is an entry in ClinVar:

ClinVar aggregate classification (germline): Pathogenic (1 of 4 stars; one submission).

Conditions:
Developmental and epileptic encephalopathy, 25 (DEE25). Also called: Epileptic encephalopathy, early infantile, 25; Developmental and epileptic encephalopathy 25, with amelogenesis imperfecta; Epileptic encephalopathy, early infantile, 25, with amelogenesis imperfecta. Identifiers: Orphanet 442835, MedGen C4014621, MONDO:0014392, OMIM 615905.

Submission:

Labcorp Genetics (formerly Invitae), Labcorp
Classification: Pathogenic for Developmental and epileptic encephalopathy, 25. Last evaluated: 2023-12-02. Review status: criteria provided, single submitter. Criteria: Invitae Variant Classification Sherloc (09022015). Collection method: clinical testing. Allele origin: unknown.
Comment: This variant is a gross deletion of the genomic region encompassing exon(s) 2-4 of the SLC13A5 gene. This deletion is out-of-frame, and is expected to create a premature termination codon and result in an absent or disrupted protein product. Loss-of-function variants in SLC13A5 are known to be pathogenic (PMID: 24995870, 26384929). A similar copy number variant has been observed in individual(s) with epilepsy (PMID: 32551328). For these reasons, this variant has been classified as Pathogenic.

Literature cited by the submitters: PubMed 24995870; PubMed 26384929; PubMed 32551328.

NC_000017.10:g.(?_6607177)_(6610495_?)del

Gene: SLC13A5 (solute carrier family 13 member 5; minus strand). Cytogenetic location: 17p13.1.
Variant type: Deletion.
Identifiers: ClinVar variation 3243105 (VCV003243105.1).